The following is an entry in ClinVar:

ClinVar aggregate classification (germline): Benign. Review status: criteria provided, multiple submitters, no conflicts (2 of 4 stars). 2 submissions from 2 submitters: Benign (2). Last evaluated 2018-01-12.

Conditions:
D-2-hydroxyglutaric aciduria 1 (D2HGA1). Identifiers: Orphanet 79315, MedGen C3152055, MONDO:0024554, OMIM 600721.

Allele frequency attached by ClinVar (database versions not stated): 1000 Genomes Project 0.09844; gnomAD exomes 0.10111; 1000 Genomes Project 30x 0.10400; gnomAD 0.12963 and 0.13504; TOPMed 0.13503.
gnomAD v4.1: 63,215 of 580,100 alleles (11%); highest among the groups gnomAD compares: African/African-American, 19%; 3,951 homozygotes.

Submissions (2):

Illumina Laboratory Services, Illumina
Classification: Benign for D-2-hydroxyglutaric aciduria 1. Last evaluated: 2018-01-12. Review status: criteria provided, single submitter. Criteria: ICSL Variant Classification Criteria 13 December 2019. Collection method: clinical testing. Allele origin: germline.
Comment: This variant was observed in the ICSL laboratory as part of a predisposition screen in an ostensibly healthy population. It had not been previously curated by ICSL or reported in the Human Gene Mutation Database (HGMD: prior to June 1st, 2018), and was therefore a candidate for classification through an automated scoring system. Utilizing variant allele frequency, disease prevalence and penetrance estimates, and inheritance mode, an automated score was calculated to assess if this variant is too frequent to cause the disease. Based on the score and internal cut-off values, a variant classified as benign is not then subjected to further curation. The score for this variant resulted in a classification of benign for this disease.

Breakthrough Genomics
Classification: Benign. Review status: criteria provided, single submitter. Criteria: ACMG Guidelines, 2015. Collection method: not provided. Allele origin: germline. Inheritance: Autosomal recessive inheritance. Affected: yes.

NM_152783.5(D2HGDH):c.*254G>A

Gene: D2HGDH (D-2-hydroxyglutarate dehydrogenase; plus strand). Cytogenetic location: 2q37.3.
Variant type: single nucleotide variant.
Coding change: c.*254G>A on transcript NM_152783.5 (MANE Select); 254 bases downstream of the stop codon, G replaced by A.
Molecular consequence: 3 prime UTR variant. On other transcripts: non-coding transcript variant (1).
Genome position (GRCh38, 1-based): chr2:241,768,223, G>A. VCF-style: chr2-241768223-G-A. GRCh37 (hg19) VCF-style: chr2-242707638-G-A.
Other names: c.*254G>A (NM_001287249.2, NM_001352824.2).
Identifiers: ClinVar variation 335332 (VCV000335332.6), dbSNP rs6713318, ClinGen allele CA10615019.